The following is an entry in ClinVar:

ClinVar aggregate classification (germline): Uncertain significance (1 of 4 stars; one submission).

Conditions:
Dyskeratosis congenita, autosomal dominant 1 (DKCA1). Also called: Dyskeratosis congenita Scoggins type. Identifiers: Orphanet 1775, MedGen C4551974, MONDO:0007485, OMIM 127550. Inheritance: Variable.

Submission:

Labcorp Genetics (formerly Invitae), Labcorp
Classification: Uncertain significance for Dyskeratosis congenita, autosomal dominant 1. Last evaluated: 2024-04-19. Review status: criteria provided, single submitter. Criteria: Invitae Variant Classification Sherloc (09022015). Collection method: clinical testing. Allele origin: germline.
Comment: This variant occurs in the TERC gene, which encodes an RNA molecule that does not result in a protein product. This variant is not present in population databases (gnomAD no frequency). This variant has not been reported in the literature in individuals affected with TERC-related conditions. Experimental studies and prediction algorithms are not available or were not evaluated, and the functional significance of this variant is currently unknown. This variant is located within the BoxH/ACA scaRNA domain of the TERC RNA component, which is required for telomerase activity (PMID: 21844345). In summary, the available evidence is currently insufficient to determine the role of this variant in disease. Therefore, it has been classified as a Variant of Uncertain Significance.

Literature cited by the submitters: PubMed 21844345.

NR_001566.3(TERC):n.404G>C

Gene: TERC (telomerase RNA component; minus strand). Cytogenetic location: 3q26.2.
Variant type: single nucleotide variant.
Molecular consequence: non-coding transcript variant (on NR_001566.3).
Genome position: GRCh38 VCF-style: chr3-169764657-C-G. GRCh37 (hg19) VCF-style: chr3-169482445-C-G.
Identifiers: ClinVar variation 3624321 (VCV003624321.2).